The following is an entry in ClinVar:

NM_000211.5(ITGB2):c.355T>G (p.Phe119Val)

Gene: ITGB2 (integrin subunit beta 2; minus strand). Cytogenetic location: 21q22.3.
Variant type: single nucleotide variant.
Coding change: c.355T>G on transcript NM_000211.5 (MANE Select); coding-DNA position 355, T replaced by G.
Protein change: p.Phe119Val; replaces phenylalanine 119 with valine.
Molecular consequence: missense variant.
Genome position (GRCh38, 1-based): chr21:44,903,509, A>C on the plus strand (T>G on the coding strand, the complement: ITGB2 is on the minus strand). VCF-style: chr21-44903509-A-C. GRCh37 (hg19) VCF-style: chr21-46323424-A-C.
Other names: c.355T>G, p.Phe119Val (NM_001127491.3); c.148T>G, p.Phe50Val (NM_001303238.2); short protein forms F119V, F50V.
Identifiers: ClinVar variation 2156009 (VCV002156009.4), dbSNP rs752668984, ClinGen allele CA10063233.

ClinVar aggregate classification (germline): Uncertain significance (1 of 4 stars; one submission).

Conditions:
Leukocyte adhesion deficiency 1 (LAD1). Also called: LEUKOCYTE ADHESION DEFICIENCY, TYPE I; LAD 1; Lymphocyte function-associated antigen 1 immunodeficiency; LFA 1 immunodeficiency. Identifiers: Orphanet 2968, Orphanet 99842, MedGen C0398738, MONDO:0007293, OMIM 116920.

Allele frequency attached by ClinVar (database versions not stated): gnomAD 0.00001; gnomAD exomes 0.00001; TOPMed 0.00001; ExAC 0.00006.
gnomAD v4.1: 13 of 1,613,980 alleles (0.00081%); highest among the groups gnomAD compares: East Asian, 0.027%; no homozygotes.

Submission:

Labcorp Genetics (formerly Invitae), Labcorp
Classification: Uncertain significance for Leukocyte adhesion deficiency 1. Last evaluated: 2022-08-22. Review status: criteria provided, single submitter. Criteria: Invitae Variant Classification Sherloc (09022015). Collection method: clinical testing. Allele origin: germline.
Comment: In summary, the available evidence is currently insufficient to determine the role of this variant in disease. Therefore, it has been classified as a Variant of Uncertain Significance. Algorithms developed to predict the effect of missense changes on protein structure and function (SIFT, PolyPhen-2, Align-GVGD) all suggest that this variant is likely to be disruptive. This variant has not been reported in the literature in individuals affected with ITGB2-related conditions. This variant is present in population databases (rs752668984, gnomAD 0.05%). This sequence change replaces phenylalanine, which is neutral and non-polar, with valine, which is neutral and non-polar, at codon 119 of the ITGB2 protein (p.Phe119Val).